The following is an entry in ClinVar:

ClinVar aggregate classification (germline): Uncertain significance (1 of 4 stars; one submission).

Allele frequency attached by ClinVar (database versions not stated): gnomAD exomes below 0.00001; gnomAD 0.00001; TOPMed 0.00001.
gnomAD v4.1: 3 of 1,614,098 alleles (0.00019%); highest among the groups gnomAD compares: African/African-American, 0.0027%; no homozygotes.

Submission:

Labcorp Genetics (formerly Invitae), Labcorp
Classification: Uncertain significance. Last evaluated: 2024-10-22. Review status: criteria provided, single submitter. Criteria: Invitae Variant Classification Sherloc (09022015). Collection method: clinical testing. Allele origin: germline.
Comment: This sequence change replaces leucine, which is neutral and non-polar, with proline, which is neutral and non-polar, at codon 967 of the TRPM1 protein (p.Leu967Pro). This variant is present in population databases (no rsID available, gnomAD 0.01%). This variant has not been reported in the literature in individuals affected with TRPM1-related conditions. ClinVar contains an entry for this variant (Variation ID: 953804). Invitae Evidence Modeling of protein sequence and biophysical properties (such as structural, functional, and spatial information, amino acid conservation, physicochemical variation, residue mobility, and thermodynamic stability) has been performed for this missense variant. However, the output from this modeling did not meet the statistical confidence thresholds required to predict the impact of this variant on TRPM1 protein function. In summary, the available evidence is currently insufficient to determine the role of this variant in disease. Therefore, it has been classified as a Variant of Uncertain Significance.

NM_001252024.2(TRPM1):c.2966T>C (p.Leu989Pro)

Genes: TRPM1 (transient receptor potential cation channel subfamily M member 1; minus strand), TRPM1-AS1 (TRPM1 antisense RNA 1; plus strand). Cytogenetic location: 15q13.3.
Variant type: single nucleotide variant.
Coding change: c.2966T>C on transcript NM_001252024.2 (MANE Select); coding-DNA position 2966, T replaced by C.
Protein change: p.Leu989Pro; replaces leucine 989 with proline.
Molecular consequence: missense variant.
Genome position (GRCh38, 1-based): chr15:31,031,144, A>G on the plus strand (T>C on the coding strand, the complement: TRPM1 is on the minus strand). VCF-style: chr15-31031144-A-G. GRCh37 (hg19) VCF-style: chr15-31323347-A-G.
Other names: c.3017T>C, p.Leu1006Pro (NM_001252020.2); c.2900T>C, p.Leu967Pro (NM_002420.6); short protein forms L989P, L1006P, L967P.
Identifiers: ClinVar variation 953804 (VCV000953804.9), dbSNP rs1427885318, ClinGen allele CA391545076.